The following is an entry in ClinVar:

NM_006364.4(SEC23A):c.1626G>A (p.Val542=)

Gene: SEC23A (SEC23 homolog A, COPII component; minus strand). Cytogenetic location: 14q21.1.
Variant type: single nucleotide variant.
Coding change: c.1626G>A on transcript NM_006364.4 (MANE Select); coding-DNA position 1626, G replaced by A.
Protein change: p.Val542=; no amino-acid change (valine 542 retained).
Molecular consequence: synonymous variant.
Genome position (GRCh38, 1-based): chr14:39,055,176, C>T on the plus strand (G>A on the coding strand, the complement: SEC23A is on the minus strand). VCF-style: chr14-39055176-C-T. GRCh37 (hg19) VCF-style: chr14-39524380-C-T.
Other names: c.1626G>A (NM_006364.3).
Identifiers: ClinVar variation 1102204 (VCV001102204.11), dbSNP rs1288174701, ClinGen allele CA486103265.

ClinVar aggregate classification (germline): Likely benign. Review status: criteria provided, single submitter (1 of 4 stars). 2 submissions from 2 submitters: Likely benign (1). 1 of the submissions does not count toward it. Last evaluated 2022-04-25.

Conditions:
SEC23A-related disorder. Also called: SEC23A-related condition.
Craniolenticulosutural dysplasia (CLSD). Also called: BOYADJIEV-JABS SYNDROME. Identifiers: Orphanet 50814, MedGen C1843042, MONDO:0011911, OMIM 607812.

Allele frequency attached by ClinVar (database versions not stated): gnomAD exomes below 0.00001 and 0.00001; TOPMed below 0.00001; gnomAD 0.00001.
gnomAD v4.1: 4 of 1,614,076 alleles (0.00025%); highest among the groups gnomAD compares: East Asian, 0.0045%; no homozygotes.

Submissions (2):

Labcorp Genetics (formerly Invitae), Labcorp
Classification: Likely benign for Craniolenticulosutural dysplasia. Last evaluated: 2022-04-25. Review status: criteria provided, single submitter. Criteria: Invitae Variant Classification Sherloc (09022015). Collection method: clinical testing. Allele origin: germline.

PreventionGenetics, part of Exact Sciences
Classification: Likely benign for SEC23A-related condition. Last evaluated: 2019-07-26. Review status: no assertion criteria provided. Collection method: clinical testing. Allele origin: germline. Not counted in ClinVar's aggregate classification.
Comment: This variant is classified as likely benign based on ACMG/AMP sequence variant interpretation guidelines (Richards et al. 2015 PMID: 25741868, with internal and published modifications).